The following is an entry in ClinVar:

NM_006514.4(SCN10A):c.4657+19G>C

Gene: SCN10A (sodium voltage-gated channel alpha subunit 10; minus strand). Cytogenetic location: 3p22.2.
Variant type: single nucleotide variant.
Coding change: c.4657+19G>C on transcript NM_006514.4 (MANE Select); 19 bases into the intron after coding-DNA position 4657, G replaced by C.
Molecular consequence: intron variant.
Genome position (GRCh38, 1-based): chr3:38,701,820, C>G on the plus strand (G>C on the coding strand, the complement: SCN10A is on the minus strand). VCF-style: chr3-38701820-C-G. GRCh37 (hg19) VCF-style: chr3-38743311-C-G.
Other names: c.4363+19G>C (NM_001293307.2); c.4654+19G>C (NM_001293306.2).
Identifiers: ClinVar variation 4739687 (VCV004739687.2).
Genomic context (GRCh38, chr3:38,701,820, plus strand): 5'-ATTTCCTTGGTTTTAGAAGAGCATCCCAAAGACCCCCAAACAGAGGTGGGGCTTCCCCAC[C>G]ACGTGGCTGCCCACTTACTCGCAATGGAGAGAACCACCACAATGAAGTCAAACACATTCC-3'

ClinVar aggregate classification (germline): Likely benign. Review status: criteria provided, multiple submitters, no conflicts (2 of 4 stars). 2 submissions from 2 submitters: Likely benign (2). Last evaluated 2026-06-30.

Conditions:
Brugada syndrome. Also called: Sudden unexpected nocturnal death syndrome; Sudden unexplained nocturnal death syndrome; Sudden Unexplained Death Syndrome; Sudden Unexplained Nocturnal Death Syndrome (SUNDS). Identifiers: Orphanet 130, MedGen C1142166, MONDO:0015263.

gnomAD v4.1: 8 of 1,582,188 alleles (0.00051%); highest among the groups gnomAD compares: Non-Finnish European, 0.00069%; no homozygotes.

Submissions (2):

Women's Health and Genetics/Laboratory Corporation of America, LabCorp
Classification: Likely benign. Last evaluated: 2026-06-30. Review status: criteria provided, single submitter. Criteria: LabCorp Variant Classification Summary - May 2015. Collection method: clinical testing. Allele origin: germline.
Comment: Variant summary: SCN10A c.4657+19G>C alters a nucleotide located at a position not widely known to affect splicing. Consensus agreement among computation tools predict no significant impact on normal splicing. However, these predictions have yet to be confirmed by functional studies. The variant allele was found at a frequency of 4.4e-06 in 228718 control chromosomes. The available data on variant occurrences in the general population are insufficient to allow any conclusion about variant significance. To our knowledge, no occurrence of c.4657+19G>C in individuals affected with SCN10A-related conditions and no experimental evidence demonstrating its impact on protein function have been reported. No submitters have cited clinical-significance assessments for this variant to ClinVar. Based on the evidence outlined above, the variant was classified as likely benign.

Labcorp Genetics (formerly Invitae), Labcorp
Classification: Likely benign for Brugada syndrome. Last evaluated: 2025-10-25. Review status: criteria provided, single submitter. Criteria: Invitae Variant Classification Sherloc (09022015). Collection method: clinical testing. Allele origin: germline.